The following is an entry in ClinVar:

ClinVar aggregate classification (germline): Uncertain significance (1 of 4 stars; one submission).

Submission:

Women's Health and Genetics/Laboratory Corporation of America, LabCorp
Classification: Uncertain significance. Last evaluated: 2023-06-20. Review status: criteria provided, single submitter. Criteria: LabCorp Variant Classification Summary - May 2015. Collection method: clinical testing. Allele origin: germline.
Comment: Variant summary: SLC3A1 c.1307C>T (p.Pro436Leu) results in a non-conservative amino acid change located in the Glycosyl hydrolase, family 13, catalytic domain (IPR006047) of the encoded protein sequence. Five of five in-silico tools predict a damaging effect of the variant on protein function. The variant was absent in 251326 control chromosomes (gnomAD). The available data on variant occurrences in the general population are insufficient to allow any conclusion about variant significance. The variant, P436L, has been reported in the literature in a cohort of individuals affected with Cystinuria (Shen_2017), however no further details were provided. These data do not allow clear conclusions about variant significance. To our knowledge, no experimental evidence demonstrating an impact on protein function has been reported. Other missense changes affecting nearby residues (e.g. S420C, M435R, W440R, P441R, N442K) are reported in patients affected with Cystinuria (HGMD), indicating a functional importance for this protein region. The following publication has been ascertained in the context of this evaluation (PMID: 28689648). No submitters have cited clinical-significance assessments for this variant to ClinVar after 2014. Based on the evidence outlined above, the variant was classified as uncertain significance.

Literature cited by the submitters: PubMed 28689648.

NM_000341.4(SLC3A1):c.1307C>T (p.Pro436Leu)

Gene: SLC3A1 (solute carrier family 3 member 1; plus strand). Cytogenetic location: 2p21.
Variant type: single nucleotide variant.
Coding change: c.1307C>T on transcript NM_000341.4 (MANE Select); coding-DNA position 1307, C replaced by T.
Protein change: p.Pro436Leu; replaces proline 436 with leucine.
Molecular consequence: missense variant.
Genome position (GRCh38, 1-based): chr2:44,304,313, C>T. VCF-style: chr2-44304313-C-T. GRCh37 (hg19) VCF-style: chr2-44531452-C-T.
Other names: short protein forms P436L.
Identifiers: ClinVar variation 2573395 (VCV002573395.1), dbSNP rs2104370223, ClinGen allele CA346683103.
Genomic context (GRCh38, chr2:44,304,313, plus strand): 5'-TAGACACTGTTTCTGGGAACAGCGTGTATGAGGTTATCACATCCTGGATGGAAAACATGC[C>T]AGAAGGAAAATGGCCTAACTGGATGGTAAGTCCTCATGACAGCAGAGTACATAATGTGCT-3'
Protein context (NP_000332.2, residues 426-446): EVITSWMENM[Pro436Leu]EGKWPNWMIG